The following is an entry in ClinVar:

NM_005267.5(GJA8):c.411C>A (p.Gly137=)

Gene: GJA8 (gap junction protein alpha 8; plus strand). Cytogenetic location: 1q21.2.
Variant type: single nucleotide variant.
Coding change: c.411C>A on transcript NM_005267.5 (MANE Select); coding-DNA position 411, C replaced by A.
Protein change: p.Gly137=; no amino-acid change (glycine 137 retained).
Molecular consequence: synonymous variant.
Genome position (GRCh38, 1-based): chr1:147,908,366, C>A. VCF-style: chr1-147908366-C-A. GRCh37 (hg19) VCF-style: chr1-147380493-C-A.
Identifiers: ClinVar variation 876078 (VCV000876078.4), dbSNP rs782388266, ClinGen allele CA1065943.

ClinVar aggregate classification (germline): Likely benign (1 of 4 stars; one submission).

Conditions:
Cataract 1 multiple types. Also called: CATARACT, DUFFY-LINKED; CATARACT 1, POSTERIOR SUBCAPSULAR, WITH MICROCORNEA; CATARACT 1, STELLATE NUCLEAR, WITH MICROCORNEA; CATARACT 1, NUCLEAR PROGRESSIVE; CATARACT 1 WITH MICROCORNEA; CATARACT 1, MULTIPLE TYPES, WITH OR WITHOUT MICROCORNEA. Identifiers: Orphanet 1377, MedGen C1861828, MONDO:0007285, OMIM 116200.

Allele frequency attached by ClinVar (database versions not stated): gnomAD exomes 0.00001; ExAC 0.00002.
gnomAD v4.1: 3 of 1,614,216 alleles (0.00019%); highest among the groups gnomAD compares: Non-Finnish European, 0.00025%; no homozygotes.

Submission:

Illumina Laboratory Services, Illumina
Classification: Likely benign for Cataract 1 multiple types. Last evaluated: 2018-01-13. Review status: criteria provided, single submitter. Criteria: ICSL Variant Classification Criteria 13 December 2019. Collection method: clinical testing. Allele origin: germline.
Comment: This variant was observed in the ICSL laboratory as part of a predisposition screen in an ostensibly healthy population. It had not been previously curated by ICSL or reported in the Human Gene Mutation Database (HGMD: prior to June 1st, 2018), and was therefore a candidate for classification through an automated scoring system. Utilizing variant allele frequency, disease prevalence and penetrance estimates, and inheritance mode, an automated score was calculated to assess if this variant is too frequent to cause the disease. Based on the score and internal cut-off values, a variant classified as likely benign is not then subjected to further curation. The score for this variant resulted in a classification of likely benign for this disease.